The following is an entry in ClinVar:

NM_004655.4(AXIN2):c.783G>C (p.Val261=)

Gene: AXIN2 (axin 2; minus strand). Cytogenetic location: 17q24.1.
Variant type: single nucleotide variant.
Coding change: c.783G>C on transcript NM_004655.4 (MANE Select); coding-DNA position 783, G replaced by C.
Protein change: p.Val261=; no amino-acid change (valine 261 retained).
Molecular consequence: synonymous variant.
Genome position (GRCh38, 1-based): chr17:65,557,838, C>G on the plus strand (G>C on the coding strand, the complement: AXIN2 is on the minus strand). VCF-style: chr17-65557838-C-G. GRCh37 (hg19) VCF-style: chr17-63553956-C-G.
Other names: c.783G>C, p.Val261= (NM_001363813.1).
Identifiers: ClinVar variation 3254340 (VCV003254340.1), dbSNP rs2144582044.

ClinVar aggregate classification (germline): Benign (1 of 4 stars; one submission).

Conditions:
Oligodontia-cancer predisposition syndrome. Also called: TOOTH AGENESIS-COLORECTAL CANCER SYNDROME. Identifiers: Orphanet 300576, MedGen C1837750, MONDO:0012075, OMIM 608615. Disease mechanism: loss of function.

Submission:

Myriad Genetics, Inc.
Classification: Benign for Oligodontia-cancer predisposition syndrome. Last evaluated: 2024-06-27. Review status: criteria provided, single submitter. Criteria: Myriad Autosomal Dominant, Autosomal Recessive and X-Linked Classification Criteria (2023). Collection method: clinical testing. Allele origin: unknown.
Comment: This variant is considered benign. This variant is a silent/synonymous amino acid change and it is not expected to impact splicing.